The following is an entry in ClinVar:

ClinVar aggregate classification (germline): Uncertain significance (1 of 4 stars; one submission).

Conditions:
Hereditary antithrombin deficiency (AT3D). Also called: Thrombophilia due to antithrombin III deficiency; Reduced antithrombin III activity; Antithrombin III deficiency; Antithrombin deficiency. Identifiers: Orphanet 82, MedGen C0272375, MONDO:0013144, OMIM 613118, HP:0001976.

gnomAD v4.1: 1 of 1,614,180 alleles (0.000062%); highest among the groups gnomAD compares: Non-Finnish European, 0.000085%; no homozygotes.

Submission:

Labcorp Genetics (formerly Invitae), Labcorp
Classification: Uncertain significance for Hereditary antithrombin deficiency. Last evaluated: 2024-01-25. Review status: criteria provided, single submitter. Criteria: Invitae Variant Classification Sherloc (09022015). Collection method: clinical testing. Allele origin: germline.
Comment: This sequence change replaces asparagine, which is neutral and polar, with histidine, which is basic and polar, at codon 224 of the SERPINC1 protein (p.Asn224His). This variant is not present in population databases (gnomAD no frequency). This missense change has been observed in individual(s) with transient antithrombin deficiency (PMID: 35486842). Advanced modeling of protein sequence and biophysical properties (such as structural, functional, and spatial information, amino acid conservation, physicochemical variation, residue mobility, and thermodynamic stability) performed at Invitae indicates that this missense variant is not expected to disrupt SERPINC1 protein function with a negative predictive value of 80%. Experimental studies are conflicting or provide insufficient evidence to determine the effect of this variant on SERPINC1 function (PMID: 35486842). In summary, the available evidence is currently insufficient to determine the role of this variant in disease. Therefore, it has been classified as a Variant of Uncertain Significance.

Literature cited by the submitters: PubMed 35486842.

NM_000488.4(SERPINC1):c.670A>C (p.Asn224His)

Gene: SERPINC1 (serpin family C member 1; minus strand). Cytogenetic location: 1q25.1.
Variant type: single nucleotide variant.
Coding change: c.670A>C on transcript NM_000488.4 (MANE Select); coding-DNA position 670, A replaced by C.
Protein change: p.Asn224His; replaces asparagine 224 with histidine.
Molecular consequence: missense variant.
Genome position (GRCh38, 1-based): chr1:173,910,846, T>G on the plus strand (A>C on the coding strand, the complement: SERPINC1 is on the minus strand). VCF-style: chr1-173910846-T-G. GRCh37 (hg19) VCF-style: chr1-173879984-T-G.
Other names: c.526A>C, p.Asn176His (NM_001365052.2); c.670A>C, p.Asn224His (NM_001386302.1, NM_001386304.1, NM_001386305.1); c.751A>C, p.Asn251His (NM_001386303.1); c.454A>C, p.Asn152His (NM_001386306.1); short protein forms N224H, N176H, N251H, N152H.
Identifiers: ClinVar variation 3716385 (VCV003716385.2).